The following is an entry in ClinVar:

ClinVar aggregate classification (germline): Pathogenic (1 of 4 stars; one submission).

Submission:

Quest Diagnostics Nichols Institute San Juan Capistrano
Classification: Pathogenic. Last evaluated: 2022-12-16. Review status: criteria provided, single submitter. Criteria: ACMG/ClinGen CNV Guidelines, 2019. Collection method: clinical testing. Allele origin: unknown.
Comment: Larger deletions that overlap the current interval are associated with 16q22 deletion syndrome (OMIM 614541; Fujiwara 1992). Deletions similar to or smaller than the current interval have been reported in individuals with variable phenotypes (Choucair 2015, Boland 2015, Girirajan 2013). In addition, heterozygous missense, splice site, and frameshift variants of AP1G1 are associated with autosomal dominant Usmani-Riazzudin syndrome (USRISD; OMIM 619467). There are no similar copy number losses of this region in the general populations of the Database of Genomic Variants. Thus, based on current medical literature and gene content, this copy number variant (CNV) is classified as pathogenic. References: Boland et al., J Immunol. 2015 Mar 15;194(6):2551-60. PMID: 25667416 Choucair et al., Mol Cytogenet. 2015 Apr 9;8:26. PMID: 25.3922617 Fujiwara et al., Am J Med Genet. 1992 Jun 1;43(3):561-4. PMID: 1605249 Girirajan et al., Am J Hum Genet. 2013 Feb 7;92(2):221-37. PMID: 23375656

GRCh37/hg19 16q22.1-22.3(chr16:69709450-73535741)x1

Genes: CLEC18A (C-type lectin domain family 18 member A; plus strand), CLEC18C (C-type lectin domain family 18 member C; plus strand), HPR (haptoglobin-related protein; plus strand), HYDIN (HYDIN axonemal central pair apparatus protein; minus strand), IL34 (interleukin 34; plus strand) and 37 more. Cytogenetic location: 16q22.1-22.3.
Variant type: copy number loss.
Change: copy number 1 (one copy instead of two) of chr16:69,709,450-73,535,741 (3.83 Mb, GRCh37 coordinates, 1-based), cytogenetic band 16q22.1-22.3.
Identifiers: ClinVar variation 2685575 (VCV002685575.1).